The following is an entry in ClinVar:

NM_052947.4(ALPK2):c.643T>G (p.Leu215Val)

Gene: ALPK2 (alpha kinase 2; minus strand). Cytogenetic location: 18q21.31.
Variant type: single nucleotide variant.
Coding change: c.643T>G on transcript NM_052947.4 (MANE Select); coding-DNA position 643, T replaced by G.
Protein change: p.Leu215Val; replaces leucine 215 with valine.
Molecular consequence: missense variant.
Genome position (GRCh38, 1-based): chr18:58,580,133, A>C on the plus strand (T>G on the coding strand, the complement: ALPK2 is on the minus strand). VCF-style: chr18-58580133-A-C. GRCh37 (hg19) VCF-style: chr18-56247365-A-C.
Other names: short protein forms L215V.
Identifiers: ClinVar variation 1753552 (VCV001753552.2), dbSNP rs775408776, ClinGen allele CA8977409.

ClinVar aggregate classification (germline): Uncertain significance (1 of 4 stars; one submission).

gnomAD v4.1: 3 of 1,614,172 alleles (0.00019%); highest among the groups gnomAD compares: Non-Finnish European, 0.00025%; no homozygotes.

Submission:

Ambry Genetics
Classification: Uncertain significance. Last evaluated: 2023-12-22. Review status: criteria provided, single submitter. Criteria: Ambry Variant Classification Scheme 2023. Collection method: clinical testing. Allele origin: germline.
Comment: The p.L215V variant (also known as c.643T>G), located in coding exon 3 of the ALPK2 gene, results from a T to G substitution at nucleotide position 643. The leucine at codon 215 is replaced by valine, an amino acid with highly similar properties. This amino acid position is conserved. In addition, this alteration is predicted to be tolerated by in silico analysis. Since supporting evidence is limited at this time, the clinical significance of this alteration remains unclear.